The following is an entry in ClinVar:

ClinVar aggregate classification (germline): Uncertain significance (1 of 4 stars; one submission).

gnomAD v4.1: 39 of 1,613,970 alleles (0.0024%); highest among the groups gnomAD compares: Non-Finnish European, 0.0026%; no homozygotes.

Submission:

Labcorp Genetics (formerly Invitae), Labcorp
Classification: Uncertain significance. Last evaluated: 2025-03-31. Review status: criteria provided, single submitter. Criteria: Invitae Variant Classification Sherloc (09022015). Collection method: clinical testing. Allele origin: germline.
Comment: This sequence change creates a premature translational stop signal (p.Gln155*) in the INTU gene. It is expected to result in an absent or disrupted protein product. However, the current clinical and genetic evidence is not sufficient to establish whether loss-of-function variants in INTU cause disease. This variant is present in population databases (rs775941821, gnomAD 0.002%). This variant has not been reported in the literature in individuals affected with INTU-related conditions. In summary, the available evidence is currently insufficient to determine the role of this variant in disease. Therefore, it has been classified as a Variant of Uncertain Significance.

NM_015693.4(INTU):c.463C>T (p.Gln155Ter)

Gene: INTU (inturned planar cell polarity protein; plus strand). Cytogenetic location: 4q28.1.
Variant type: single nucleotide variant.
Coding change: c.463C>T on transcript NM_015693.4 (MANE Select); coding-DNA position 463, C replaced by T.
Protein change: p.Gln155Ter; replaces glutamine 155 with a stop codon.
Molecular consequence: nonsense.
Genome position (GRCh38, 1-based): chr4:127,643,837, C>T. VCF-style: chr4-127643837-C-T. GRCh37 (hg19) VCF-style: chr4-128564992-C-T.
Other names: short protein forms Q155*.
Identifiers: ClinVar variation 3610053 (VCV003610053.2).